The following is an entry in ClinVar:

ClinVar aggregate classification (germline): Uncertain significance. Review status: criteria provided, multiple submitters, no conflicts (2 of 4 stars). 2 submissions from 2 submitters: Uncertain significance (2). Last evaluated 2026-02-01.

Conditions:
Epidermolysis bullosa simplex 3, localized or generalized intermediate, with BP230 deficiency (EBS3). Also called: Epidermolysis bullosa simplex due to BP230 deficiency; Epidermolysis bullosa simplex, autosomal recessive 2. Identifiers: Orphanet 412181, MedGen C3809470, MONDO:0014180, OMIM 615425.
Hereditary sensory and autonomic neuropathy type 6. Also called: Neuropathy, hereditary sensory and autonomic, type VI; HSAN VI. Identifiers: Orphanet 314381, MedGen C3539003, MONDO:0013839, OMIM 614653.

gnomAD v4.1: 3 of 1,608,550 alleles (0.00019%); highest among the groups gnomAD compares: Non-Finnish European, 0.00025%; no homozygotes.

Submissions (2):

CeGaT Center for Human Genetics Tuebingen
Classification: Uncertain significance. Last evaluated: 2026-02-01. Review status: criteria provided, single submitter. Criteria: CeGaT Center For Human Genetics Tuebingen Variant Classification Criteria Version 2. Collection method: clinical testing. Allele origin: germline. Affected: yes. Observed: 1 variant allele.
Comment: DST: PM2

Labcorp Genetics (formerly Invitae), Labcorp
Classification: Uncertain significance for Epidermolysis bullosa simplex 3, localized or generalized intermediate, with BP230 deficiency; Hereditary sensory and autonomic neuropathy type 6. Last evaluated: 2025-11-03. Review status: criteria provided, single submitter. Criteria: Invitae Variant Classification Sherloc (09022015). Collection method: clinical testing. Allele origin: germline.
Comment: The DST gene has multiple clinically relevant transcripts. This variant occurs in alternate transcript NM_015548.4, and corresponds to NM_001723.5:c.*111492C>A in the primary transcript. This sequence change replaces threonine, which is neutral and polar, with asparagine, which is neutral and polar, at codon 3890 of the DST protein (p.Thr3890Asn). This variant is present in population databases (no rsID available, gnomAD 0.0009%). This variant has not been reported in the literature in individuals affected with DST-related conditions. Experimental studies and prediction algorithms are not available or were not evaluated, and the functional significance of this variant is currently unknown. In summary, the available evidence is currently insufficient to determine the role of this variant in disease. Therefore, it has been classified as a Variant of Uncertain Significance.

NM_001374736.1(DST):c.19538C>A (p.Thr6513Asn)

Gene: DST (dystonin; minus strand). Cytogenetic location: 6p12.1.
Variant type: single nucleotide variant.
Coding change: c.19538C>A on transcript NM_001374736.1 (MANE Select); coding-DNA position 19538, C replaced by A.
Protein change: p.Thr6513Asn; replaces threonine 6513 with asparagine.
Molecular consequence: missense variant.
Genome position (GRCh38, 1-based): chr6:56,504,025, G>T on the plus strand (C>A on the coding strand, the complement: DST is on the minus strand). VCF-style: chr6-56504025-G-T. GRCh37 (hg19) VCF-style: chr6-56368823-G-T.
Other names: c.12647C>A, p.Thr4216Asn (NM_001386100.1, NM_183380.4); c.11669C>A, p.Thr3890Asn (NM_015548.5); c.13181C>A, p.Thr4394Asn (NM_001144769.5); c.12767C>A, p.Thr4256Asn (NM_001144770.2); c.19538C>A, p.Thr6513Asn (NM_001374722.1); c.18578C>A, p.Thr6193Asn (NM_001374729.1); c.12320C>A, p.Thr4107Asn (NM_001374730.1); c.19565C>A, p.Thr6522Asn (NM_001374734.1); short protein forms T4394N, T6193N, T3890N, T6513N, T6522N, T4107N, T4216N, T4256N.
Identifiers: ClinVar variation 1502315 (VCV001502315.10), dbSNP rs200108872, ClinGen allele CA364521591.